The following is an entry in ClinVar:

NM_000444.6(PHEX):c.1700+1G>C

Genes: PHEX (phosphate regulating endopeptidase X-linked; plus strand), PTCHD1-AS (PTCHD1 and PHEX antisense RNA; minus strand). Cytogenetic location: Xp22.11.
Variant type: single nucleotide variant.
Coding change: c.1700+1G>C on transcript NM_000444.6 (MANE Select); the canonical splice donor site of the intron after coding-DNA position 1700, G replaced by C.
Molecular consequence: splice donor variant.
Genome position (GRCh38, 1-based): chrX:22,212,959, G>C. VCF-style: chrX-22212959-G-C. GRCh37 (hg19) VCF-style: chrX-22231076-G-C.
Other names: c.1700+1G>C (NM_001282754.2).
Identifiers: ClinVar variation 844146 (VCV000844146.11), dbSNP rs1057520582, ClinGen allele CA412575711.

ClinVar aggregate classification (germline): Pathogenic (1 of 4 stars; one submission).

Submission:

Labcorp Genetics (formerly Invitae), Labcorp
Classification: Pathogenic. Last evaluated: 2020-07-30. Review status: criteria provided, single submitter. Criteria: Invitae Variant Classification Sherloc (09022015). Collection method: clinical testing. Allele origin: germline.
Comment: Donor and acceptor splice site variants typically lead to a loss of protein function (PMID: 16199547), and loss-of-function variants in PHEX are known to be pathogenic (PMID: 9097956, 9106524, 19219621). Algorithms developed to predict the effect of sequence changes on RNA splicing suggest that this variant may disrupt the consensus splice site, but this prediction has not been confirmed by published transcriptional studies. Disruption of this splice site has been observed in individual(s) with hypophosphatemic rickets (PMID: 19219621, 9199930). This variant is not present in population databases (ExAC no frequency). This sequence change affects a donor splice site in intron 16 of the PHEX gene. It is expected to disrupt RNA splicing and likely results in an absent or disrupted protein product. For these reasons, this variant has been classified as Pathogenic.

Literature cited by the submitters: PubMed 16199547; PubMed 9097956; PubMed 9106524; PubMed 19219621; PubMed 9199930.